The following is an entry in ClinVar:

NM_152564.5(VPS13B):c.966G>A (p.Met322Ile)

Gene: VPS13B (vacuolar protein sorting 13 homolog B; plus strand). Cytogenetic location: 8q22.2.
Variant type: single nucleotide variant.
Coding change: c.966G>A on transcript NM_152564.5 (MANE Select); coding-DNA position 966, G replaced by A.
Protein change: p.Met322Ile; replaces methionine 322 with isoleucine.
Molecular consequence: missense variant. On other transcripts: non-coding transcript variant (1).
Genome position (GRCh38, 1-based): chr8:99,121,205, G>A. VCF-style: chr8-99121205-G-A. GRCh37 (hg19) VCF-style: chr8-100133433-G-A.
Other names: c.966G>A, p.Met322Ile (NM_015243.3, NM_017890.5, NM_181661.3); short protein forms M322I.
Identifiers: ClinVar variation 3353650 (VCV003353650.1).

ClinVar aggregate classification (germline): Uncertain significance (0 of 4 stars; one submission).

Conditions:
VPS13B-related disorder. Also called: VPS13B-related condition.

gnomAD v4.1: 8 of 1,613,852 alleles (0.0005%); highest among the groups gnomAD compares: South Asian, 0.0044%; no homozygotes.

Submission:

PreventionGenetics, part of Exact Sciences
Classification: Uncertain significance for VPS13B-related condition. Last evaluated: 2024-09-20. Review status: no assertion criteria provided. Collection method: clinical testing. Allele origin: germline.
Comment: The VPS13B c.966G>A variant is predicted to result in the amino acid substitution p.Met322Ile. To our knowledge, this variant has not been reported in the literature. This variant is reported in 0.0033% of alleles in individuals of South Asian descent in gnomAD. At this time, the clinical significance of this variant is uncertain due to the absence of conclusive functional and genetic evidence.